The following is an entry in ClinVar:

NM_000492.4(CFTR):c.1539T>A (p.Asp513Glu)

Genes: CFTR (CF transmembrane conductance regulator; plus strand), CFTR-AS1 (CFTR antisense RNA 1; minus strand). Cytogenetic location: 7q31.2.
Variant type: single nucleotide variant.
Coding change: c.1539T>A on transcript NM_000492.4 (MANE Select); coding-DNA position 1539, T replaced by A.
Protein change: p.Asp513Glu; replaces aspartic acid 513 with glutamic acid.
Molecular consequence: missense variant.
Genome position (GRCh38, 1-based): chr7:117,559,610, T>A. VCF-style: chr7-117559610-T-A. GRCh37 (hg19) VCF-style: chr7-117199664-T-A.
Other names: short protein forms D513E.
Identifiers: ClinVar variation 3832562 (VCV003832562.1).

ClinVar aggregate classification (germline): Uncertain significance (1 of 4 stars; one submission).

Conditions:
Cystic fibrosis (CF). Also called: MUCOVISCIDOSIS. Identifiers: Orphanet 586, MedGen C0010674, MONDO:0009061, OMIM 219700. Disease mechanism: loss of function.

gnomAD v4.1: 1 of 1,613,384 alleles (0.000062%); highest among the groups gnomAD compares: Non-Finnish European, 0.000085%; no homozygotes.

Submission:

Ambry Genetics
Classification: Uncertain significance for Cystic fibrosis. Last evaluated: 2025-01-07. Review status: criteria provided, single submitter. Criteria: Ambry Variant Classification Scheme 2023. Collection method: clinical testing. Allele origin: germline.
Comment: The p.D513E variant (also known as c.1539T>A), located in coding exon 11 of the CFTR gene, results from a T to A substitution at nucleotide position 1539. The aspartic acid at codon 513 is replaced by glutamic acid, an amino acid with highly similar properties. This amino acid position is highly conserved in available vertebrate species. In addition, this alteration is predicted to be deleterious by in silico analysis. Based on the available evidence, the clinical significance of this variant remains unclear.